The following is an entry in ClinVar:

NM_138694.4(PKHD1):c.4885A>G (p.Thr1629Ala)

Genes: PKHD1 (PKHD1 ciliary IPT domain containing fibrocystin/polyductin; minus strand), LOC126859690 (MED14-independent group 3 enhancer GRCh37_chr6:51888848-51890047; plus strand). Cytogenetic location: 6p12.2.
Variant type: single nucleotide variant.
Coding change: c.4885A>G on transcript NM_138694.4 (MANE Select); coding-DNA position 4885, A replaced by G.
Protein change: p.Thr1629Ala; replaces threonine 1629 with alanine.
Molecular consequence: missense variant.
Genome position (GRCh38, 1-based): chr6:52,024,925, T>C on the plus strand (A>G on the coding strand, the complement: PKHD1 is on the minus strand). VCF-style: chr6-52024925-T-C. GRCh37 (hg19) VCF-style: chr6-51889723-T-C.
Other names: c.4885A>G (NM_138694.3); c.4885A>G, p.Thr1629Ala (NM_170724.3); short protein forms T1629A.
Identifiers: ClinVar variation 2193654 (VCV002193654.2), dbSNP rs776661077, ClinGen allele CA3852647.

ClinVar aggregate classification (germline): Conflicting classifications of pathogenicity. Review status: criteria provided, conflicting classifications (1 of 4 stars). 2 submissions from 2 submitters: Uncertain significance (1); Likely benign (1). Last evaluated 2022-04-29.

Conditions:
Inborn genetic diseases. Identifiers: MedGen C0950123, MeSH D030342.
Autosomal recessive polycystic kidney disease (ARPKD). Also called: AR polycystic kidney disease. Identifiers: Orphanet 731, Orphanet 8378, MedGen C0085548, MeSH D017044, MONDO:0009889.

Allele frequency attached by ClinVar (database versions not stated): gnomAD exomes 0.00002; gnomAD 0.00003; TOPMed 0.00003; ExAC 0.00004.
gnomAD v4.1: 36 of 1,614,078 alleles (0.0022%); highest among the groups gnomAD compares: Admixed American, 0.01%; no homozygotes.

Submissions (2):

Labcorp Genetics (formerly Invitae), Labcorp
Classification: Uncertain significance for Autosomal recessive polycystic kidney disease. Last evaluated: 2022-04-29. Review status: criteria provided, single submitter. Criteria: Invitae Variant Classification Sherloc (09022015). Collection method: clinical testing. Allele origin: germline.
Comment: This sequence change replaces threonine, which is neutral and polar, with alanine, which is neutral and non-polar, at codon 1629 of the PKHD1 protein (p.Thr1629Ala). This variant is present in population databases (rs776661077, gnomAD 0.009%). This variant has not been reported in the literature in individuals affected with PKHD1-related conditions. Advanced modeling of protein sequence and biophysical properties (such as structural, functional, and spatial information, amino acid conservation, physicochemical variation, residue mobility, and thermodynamic stability) performed at Invitae indicates that this missense variant is not expected to disrupt PKHD1 protein function. In summary, the available evidence is currently insufficient to determine the role of this variant in disease. Therefore, it has been classified as a Variant of Uncertain Significance.

Ambry Genetics
Classification: Likely benign for Inborn genetic diseases. Last evaluated: 2021-10-06. Review status: criteria provided, single submitter. Criteria: Ambry Variant Classification Scheme 2023. Collection method: clinical testing. Allele origin: germline.